The following is an entry in ClinVar:

NM_016058.5(TPRKB):c.15T>G (p.His5Gln)

Gene: TPRKB (TP53RK binding protein; minus strand). Cytogenetic location: 2p13.1.
Variant type: single nucleotide variant.
Coding change: c.15T>G on transcript NM_016058.5 (MANE Select); coding-DNA position 15, T replaced by G.
Protein change: p.His5Gln; replaces histidine 5 with glutamine.
Molecular consequence: missense variant. On other transcripts: 5 prime UTR variant (1).
Genome position (GRCh38, 1-based): chr2:73,734,555, A>C on the plus strand (T>G on the coding strand, the complement: TPRKB is on the minus strand). VCF-style: chr2-73734555-A-C. GRCh37 (hg19) VCF-style: chr2-73961682-A-C.
Other names: c.15T>G, p.His5Gln (NM_001330386.2, NM_001330387.2, NM_001330388.2 and 3 more transcripts); c.-161T>G (NM_001330390.2); short protein forms H5Q.
Identifiers: ClinVar variation 1971909 (VCV001971909.5), dbSNP rs1181710439, ClinGen allele CA347275111.

ClinVar aggregate classification (germline): Uncertain significance (1 of 4 stars; one submission).

Submission:

Labcorp Genetics (formerly Invitae), Labcorp
Classification: Uncertain significance. Last evaluated: 2025-09-05. Review status: criteria provided, single submitter. Criteria: Invitae Variant Classification Sherloc (09022015). Collection method: clinical testing. Allele origin: germline.
Comment: This sequence change replaces histidine, which is basic and polar, with glutamine, which is neutral and polar, at codon 5 of the TPRKB protein (p.His5Gln). This variant is not present in population databases (gnomAD no frequency). This variant has not been reported in the literature in individuals affected with TPRKB-related conditions. ClinVar contains an entry for this variant (Variation ID: 1971909). An algorithm developed to predict the effect of missense changes on protein structure and function outputs the following: PolyPhen-2: "Benign". The glutamine amino acid residue is found in multiple mammalian species, which suggests that this missense change does not adversely affect protein function. In summary, the available evidence is currently insufficient to determine the role of this variant in disease. Therefore, it has been classified as a Variant of Uncertain Significance.